The following is an entry in ClinVar:

NM_003059.3(SLC22A4):c.1301A>C (p.Lys434Thr)

Genes: MIR3936HG (MIR3936 host gene; minus strand), SLC22A4 (solute carrier family 22 member 4; plus strand). Cytogenetic location: 5q31.1.
Variant type: single nucleotide variant.
Coding change: c.1301A>C on transcript NM_003059.3 (MANE Select); coding-DNA position 1301, A replaced by C.
Protein change: p.Lys434Thr; replaces lysine 434 with threonine.
Molecular consequence: missense variant.
Genome position (GRCh38, 1-based): chr5:132,335,857, A>C. VCF-style: chr5-132335857-A-C. GRCh37 (hg19) VCF-style: chr5-131671550-A-C.
Other names: short protein forms K434T.
Identifiers: ClinVar variation 3163473 (VCV003163473.3), dbSNP rs753288548, ClinGen allele CA3403640.

ClinVar aggregate classification (germline): Uncertain significance. Review status: criteria provided, multiple submitters, no conflicts (2 of 4 stars). 3 submissions from 3 submitters: Uncertain significance (2). 1 of the submissions does not count toward it. Last evaluated 2025-08-18.

Conditions:
SLC22A4-related disorder. Also called: SLC22A4-related condition.

Allele frequency attached by ClinVar (database versions not stated): TOPMed 0.00004; gnomAD 0.00005; ExAC 0.00007.
gnomAD v4.1: 25 of 1,613,972 alleles (0.0015%); highest among the groups gnomAD compares: East Asian, 0.053%; no homozygotes.

Submissions (3):

Labcorp Genetics (formerly Invitae), Labcorp
Classification: Uncertain significance. Last evaluated: 2025-08-18. Review status: criteria provided, single submitter. Criteria: Invitae Variant Classification Sherloc (09022015). Collection method: clinical testing. Allele origin: germline.
Comment: This sequence change replaces lysine, which is basic and polar, with threonine, which is neutral and polar, at codon 434 of the SLC22A4 protein (p.Lys434Thr). This variant is present in population databases (rs753288548, gnomAD 0.2%), and has an allele count higher than expected for a pathogenic variant. This variant has not been reported in the literature in individuals affected with SLC22A4-related conditions. ClinVar contains an entry for this variant (Variation ID: 3163473). Invitae Evidence Modeling of protein sequence and biophysical properties (such as structural, functional, and spatial information, amino acid conservation, physicochemical variation, residue mobility, and thermodynamic stability) indicates that this missense variant is expected to disrupt SLC22A4 protein function with a positive predictive value of 80%. In summary, the available evidence is currently insufficient to determine the role of this variant in disease. Therefore, it has been classified as a Variant of Uncertain Significance.

Ambry Genetics
Classification: Uncertain significance. Last evaluated: 2023-12-12. Review status: criteria provided, single submitter. Criteria: Ambry Variant Classification Scheme 2023. Collection method: clinical testing. Allele origin: germline.

PreventionGenetics, part of Exact Sciences
Classification: Likely benign for SLC22A4-related condition. Last evaluated: 2024-05-03. Review status: no assertion criteria provided. Collection method: clinical testing. Allele origin: germline. Not counted in ClinVar's aggregate classification.
Comment: This variant is classified as likely benign based on ACMG/AMP sequence variant interpretation guidelines (Richards et al. 2015 PMID: 25741868, with internal and published modifications).